The following is an entry in ClinVar:

NM_004977.3(KCNC3):c.167del (p.Pro56fs)

Gene: KCNC3 (potassium voltage-gated channel subfamily C member 3; minus strand). Cytogenetic location: 19q13.33.
Variant type: Deletion.
Coding change: c.167del on transcript NM_004977.3 (MANE Select); coding-DNA position 167, one base deleted (C; older notation c.167delC).
Protein change: p.Pro56fs; shifts the reading frame from proline 56.
Molecular consequence: frameshift variant. On other transcripts: 5 prime UTR variant (1).
Genome position (GRCh38, 1-based): chr19:50,328,916, G deleted on the plus strand (C on the coding strand, the reverse complement: KCNC3 is on the minus strand); the first of 6 consecutive G bases (chr19:50,328,916-50,328,921); deleting any one gives the same sequence. VCF-style (leftmost placement, unchanged base first): chr19-50328915-CG-C. GRCh37 (hg19) VCF-style: chr19-50832172-CG-C.
Other names: c.-62del (NM_001372305.1); short protein forms P56fs.
Identifiers: ClinVar variation 2893582 (VCV002893582.3), dbSNP rs1188403392, ClinGen allele CA633897033.

ClinVar aggregate classification (germline): Uncertain significance (1 of 4 stars; one submission).

Submission:

Labcorp Genetics (formerly Invitae), Labcorp
Classification: Uncertain significance. Last evaluated: 2025-10-16. Review status: criteria provided, single submitter. Criteria: Invitae Variant Classification Sherloc (09022015). Collection method: clinical testing. Allele origin: germline.
Comment: This sequence change creates a premature translational stop signal (p.Pro56Argfs*36) in the KCNC3 gene. It is expected to result in an absent or disrupted protein product. However, the current clinical and genetic evidence is not sufficient to establish whether loss-of-function variants in KCNC3 cause disease. This variant is present in population databases (no rsID available, gnomAD 0.05%). This variant has not been reported in the literature in individuals affected with KCNC3-related conditions. ClinVar contains an entry for this variant (Variation ID: 2893582). In summary, the available evidence is currently insufficient to determine the role of this variant in disease. Therefore, it has been classified as a Variant of Uncertain Significance.